The following is an entry in ClinVar:

ClinVar aggregate classification (germline): Likely benign. Review status: criteria provided, multiple submitters, no conflicts (2 of 4 stars). 2 submissions from 2 submitters: Likely benign (2). Last evaluated 2026-01-01.

Conditions:
Pityriasis rubra pilaris (PRP). Also called: Pityriasis rubra pilaris--familial type. Identifiers: Orphanet 2897, MedGen C0032027, MONDO:0100017, OMIM 173200, MONDO:0008251.
Psoriasis 2. Identifiers: MedGen C1864497, MONDO:0011269, OMIM 602723.

Allele frequency attached by ClinVar (database versions not stated): gnomAD exomes 0.00002 and 0.00004; TOPMed 0.00003; ExAC 0.00005.

Submissions (2):

CeGaT Center for Human Genetics Tuebingen
Classification: Likely benign. Last evaluated: 2026-01-01. Review status: criteria provided, single submitter. Criteria: CeGaT Center For Human Genetics Tuebingen Variant Classification Criteria Version 2. Collection method: clinical testing. Allele origin: germline. Affected: yes. Observed: 1 variant allele.
Comment: CARD14: BP4, BP7

Labcorp Genetics (formerly Invitae), Labcorp
Classification: Likely benign for Pityriasis rubra pilaris; Psoriasis 2. Last evaluated: 2025-03-31. Review status: criteria provided, single submitter. Criteria: Invitae Variant Classification Sherloc (09022015). Collection method: clinical testing. Allele origin: germline.

NM_001366385.1(CARD14):c.294C>T (p.Asp98=)

Gene: CARD14 (caspase recruitment domain family member 14; plus strand). Cytogenetic location: 17q25.3.
Variant type: single nucleotide variant.
Coding change: c.294C>T on transcript NM_001366385.1 (MANE Select); coding-DNA position 294, C replaced by T.
Protein change: p.Asp98=; no amino-acid change (aspartic acid 98 retained).
Molecular consequence: synonymous variant. On other transcripts: non-coding transcript variant (1).
Genome position (GRCh38, 1-based): chr17:80,182,735, C>T. VCF-style: chr17-80182735-C-T. GRCh37 (hg19) VCF-style: chr17-78156534-C-T.
Other names: c.294C>T, p.Asp98= (NM_001257970.1, NM_024110.4).
Identifiers: ClinVar variation 753762 (VCV000753762.14), dbSNP rs757364434, ClinGen allele CA8816382.